The following is an entry in ClinVar:

NM_017780.4(CHD7):c.3825A>T (p.Ala1275=)

Gene: CHD7 (chromodomain helicase DNA binding protein 7; plus strand). Cytogenetic location: 8q12.2.
Variant type: single nucleotide variant.
Coding change: c.3825A>T on transcript NM_017780.4 (MANE Select); coding-DNA position 3825, A replaced by T.
Protein change: p.Ala1275=; no amino-acid change (alanine 1275 retained).
Molecular consequence: synonymous variant. On other transcripts: intron variant (1).
Genome position (GRCh38, 1-based): chr8:60,836,119, A>T. VCF-style: chr8-60836119-A-T. GRCh37 (hg19) VCF-style: chr8-61748678-A-T.
Other names: c.1717-26110A>T (NM_001316690.1).
Identifiers: ClinVar variation 700150 (VCV000700150.11), dbSNP rs1355369979, ClinGen allele CA460846692.

ClinVar aggregate classification (germline): Likely benign. Review status: criteria provided, multiple submitters, no conflicts (2 of 4 stars). 2 submissions from 2 submitters: Likely benign (2). Last evaluated 2025-09-03.

Conditions:
CHD7-related disorder. Also called: CHD7-related condition.
CHARGE syndrome (CHARGE). Also called: Hittner Hirsch Kreh syndrome; CHARGE ASSOCIATION--COLOBOMA, HEART ANOMALY, CHOANAL ATRESIA, RETARDATION, GENITAL AND EAR ANOMALIES; Coloboma, heart anomaly, choanal atresia, retardation, genital and ear anomalies; CHARGE association; Hall-Hittner syndrome. Identifiers: Orphanet 138, MedGen C0265354, MONDO:0008965.

Allele frequency attached by ClinVar (database versions not stated): gnomAD 0.00001; gnomAD exomes 0.00001; TOPMed 0.00001.
gnomAD v4.1: 41 of 1,613,174 alleles (0.0025%); highest among the groups gnomAD compares: Non-Finnish European, 0.0034%; no homozygotes.

Submissions (2):

PreventionGenetics, part of Exact Sciences
Classification: Likely benign for CHD7-related condition. Last evaluated: 2025-09-03. Review status: criteria provided, single submitter. Criteria: ACMG Guidelines, 2015. Collection method: clinical testing. Allele origin: germline.
Comment: This variant is classified as likely benign based on ACMG/AMP sequence variant interpretation guidelines (Richards et al. 2015 PMID: 25741868, with internal and published modifications).

Labcorp Genetics (formerly Invitae), Labcorp
Classification: Likely benign for CHARGE syndrome. Last evaluated: 2024-04-08. Review status: criteria provided, single submitter. Criteria: Invitae Variant Classification Sherloc (09022015). Collection method: clinical testing. Allele origin: germline.